The following is an entry in ClinVar:

NM_006265.3(RAD21):c.1815G>C (p.Lys605Asn)

Gene: RAD21 (RAD21 cohesin complex component; minus strand). Cytogenetic location: 8q24.11.
Variant type: single nucleotide variant.
Coding change: c.1815G>C on transcript NM_006265.3 (MANE Select); coding-DNA position 1815, G replaced by C.
Protein change: p.Lys605Asn; replaces lysine 605 with asparagine.
Molecular consequence: missense variant.
Genome position (GRCh38, 1-based): chr8:116,847,581, C>G on the plus strand (G>C on the coding strand, the complement: RAD21 is on the minus strand). VCF-style: chr8-116847581-C-G. GRCh37 (hg19) VCF-style: chr8-117859820-C-G.
Other names: short protein forms K605N.
Identifiers: ClinVar variation 2693133 (VCV002693133.4), dbSNP rs1203951092, ClinGen allele CA371989497.

ClinVar aggregate classification (germline): Uncertain significance. Review status: criteria provided, multiple submitters, no conflicts (2 of 4 stars). 2 submissions from 2 submitters: Uncertain significance (2). Last evaluated 2026-04-20.

Conditions:
Inborn genetic diseases. Identifiers: MedGen C0950123, MeSH D030342.
Cornelia de Lange syndrome 4 (CDLS4). Also called: RAD21-Related Cornelia de Lange Syndrome; CORNELIA DE LANGE SYNDROME 4 WITH OR WITHOUT MIDLINE BRAIN DEFECTS. Identifiers: Orphanet 199, MedGen C3553517, MONDO:0013864, OMIM 614701.

Submissions (2):

Ambry Genetics
Classification: Uncertain significance for Inborn genetic diseases. Last evaluated: 2026-04-20. Review status: criteria provided, single submitter. Criteria: Ambry Variant Classification Scheme 2023. Collection method: clinical testing. Allele origin: germline.

Labcorp Genetics (formerly Invitae), Labcorp
Classification: Uncertain significance for Cornelia de Lange syndrome 4. Last evaluated: 2023-11-04. Review status: criteria provided, single submitter. Criteria: Invitae Variant Classification Sherloc (09022015). Collection method: clinical testing. Allele origin: germline.
Comment: This sequence change replaces lysine, which is basic and polar, with asparagine, which is neutral and polar, at codon 605 of the RAD21 protein (p.Lys605Asn). This variant is not present in population databases (gnomAD no frequency). This variant has not been reported in the literature in individuals affected with RAD21-related conditions. Advanced modeling of protein sequence and biophysical properties (such as structural, functional, and spatial information, amino acid conservation, physicochemical variation, residue mobility, and thermodynamic stability) has been performed at Invitae for this missense variant, however the output from this modeling did not meet the statistical confidence thresholds required to predict the impact of this variant on RAD21 protein function. In summary, the available evidence is currently insufficient to determine the role of this variant in disease. Therefore, it has been classified as a Variant of Uncertain Significance.